The following is an entry in ClinVar:

ClinVar aggregate classification (germline): Uncertain significance (1 of 4 stars; one submission).

Conditions:
Hereditary cancer-predisposing syndrome. Also called: Neoplastic Syndromes, Hereditary; Hereditary Cancer Syndrome; Tumor predisposition; Hereditary neoplastic syndrome. Identifiers: Orphanet 140162, MedGen C0027672, MeSH D009386, MONDO:0015356.

Submission:

Ambry Genetics
Classification: Uncertain significance for Hereditary cancer-predisposing syndrome. Last evaluated: 2024-12-12. Review status: criteria provided, single submitter. Criteria: Ambry Variant Classification Scheme 2023. Collection method: clinical testing. Allele origin: germline.
Comment: The p.R765L variant (also known as c.2294G>T), located in coding exon 20 of the POLE gene, results from a G to T substitution at nucleotide position 2294. The arginine at codon 765 is replaced by leucine, an amino acid with dissimilar properties. This amino acid position is conserved. In addition, this alteration is predicted to be deleterious by in silico analysis. Based on the available evidence, the clinical significance of this variant remains unclear.

NM_006231.4(POLE):c.2294G>T (p.Arg765Leu)

Gene: POLE (DNA polymerase epsilon, catalytic subunit; minus strand). Cytogenetic location: 12q24.33.
Variant type: single nucleotide variant.
Coding change: c.2294G>T on transcript NM_006231.4 (MANE Select); coding-DNA position 2294, G replaced by T.
Protein change: p.Arg765Leu; replaces arginine 765 with leucine.
Molecular consequence: missense variant.
Genome position (GRCh38, 1-based): chr12:132,667,528, C>A on the plus strand (G>T on the coding strand, the complement: POLE is on the minus strand). VCF-style: chr12-132667528-C-A. GRCh37 (hg19) VCF-style: chr12-133244114-C-A.
Other names: short protein forms R765L.
Identifiers: ClinVar variation 3781504 (VCV003781504.1).
Genomic context (GRCh38, chr12:132,667,528, plus strand): 5'-ACAGAGGCCAAAGCTTGCAGCCCCTCAGAGCTCACCTTGTGGAGCCCTTTGAACTCGTAA[C>A]GCCTGTCCCGGAAGGCACGCACGGTGTCCACGTAGAAGGAGTTTTCCCGCTGGCAGATGG-3'
Protein context (NP_006222.2, residues 755-775): VDTVRAFRDR[Arg765Leu]YEFKGLHKVW